The following is an entry in ClinVar:

ClinVar aggregate classification (germline): Uncertain significance (1 of 4 stars; one submission).

Conditions:
Epidermolysis bullosa simplex 3, localized or generalized intermediate, with BP230 deficiency (EBS3). Also called: Epidermolysis bullosa simplex, autosomal recessive 2; Epidermolysis bullosa simplex due to BP230 deficiency. Identifiers: Orphanet 412181, MedGen C3809470, MONDO:0014180, OMIM 615425.
Hereditary sensory and autonomic neuropathy type 6. Also called: Neuropathy, hereditary sensory and autonomic, type VI; HSAN VI. Identifiers: Orphanet 314381, MedGen C3539003, MONDO:0013839, OMIM 614653.

Allele frequency attached by ClinVar (database versions not stated): TOPMed below 0.00001; gnomAD exomes 0.00001; gnomAD 0.00002 and 0.00003; ExAC 0.00003; 1000 Genomes Project 30x 0.00016; 1000 Genomes Project 0.00020.
gnomAD v4.1: 21 of 1,613,900 alleles (0.0013%); highest among the groups gnomAD compares: Middle Eastern, 0.016%; no homozygotes.

Submission:

Labcorp Genetics (formerly Invitae), Labcorp
Classification: Uncertain significance for Epidermolysis bullosa simplex 3, localized or generalized intermediate, with BP230 deficiency; Hereditary sensory and autonomic neuropathy type 6. Last evaluated: 2022-11-15. Review status: criteria provided, single submitter. Criteria: Invitae Variant Classification Sherloc (09022015). Collection method: clinical testing. Allele origin: germline.
Comment: In summary, the available evidence is currently insufficient to determine the role of this variant in disease. Therefore, it has been classified as a Variant of Uncertain Significance. Algorithms developed to predict the effect of missense changes on protein structure and function output the following: SIFT: "Not Available"; PolyPhen-2: "Not Available"; Align-GVGD: "Not Available". The threonine amino acid residue is found in multiple mammalian species, which suggests that this missense change does not adversely affect protein function. ClinVar contains an entry for this variant (Variation ID: 969802). This variant has not been reported in the literature in individuals affected with DST-related conditions. This variant is present in population databases (rs553940584, gnomAD 0.01%). This sequence change replaces alanine, which is neutral and non-polar, with threonine, which is neutral and polar, at codon 2776 of the DST protein (p.Ala2776Thr). The DST gene has multiple clinically relevant transcripts. This variant occurs in alternate transcript NM_015548.4, and corresponds to NM_001723.5:c.*62920G>A in the primary transcript.

NM_001374736.1(DST):c.16195G>A (p.Ala5399Thr)

Gene: DST (dystonin; minus strand). Cytogenetic location: 6p12.1.
Variant type: single nucleotide variant.
Coding change: c.16195G>A on transcript NM_001374736.1 (MANE Select); coding-DNA position 16195, G replaced by A.
Protein change: p.Ala5399Thr; replaces alanine 5399 with threonine.
Molecular consequence: missense variant.
Genome position (GRCh38, 1-based): chr6:56,552,597, C>T on the plus strand (G>A on the coding strand, the complement: DST is on the minus strand). VCF-style: chr6-56552597-C-T. GRCh37 (hg19) VCF-style: chr6-56417395-C-T.
Other names: c.9838G>A, p.Ala3280Thr (NM_001144769.5); c.9424G>A, p.Ala3142Thr (NM_001144770.2); c.16195G>A, p.Ala5399Thr (NM_001374722.1); c.15562G>A, p.Ala5188Thr (NM_001374729.1); c.9304G>A, p.Ala3102Thr (NM_001374730.1, NM_183380.4); c.16222G>A, p.Ala5408Thr (NM_001374734.1); c.8326G>A, p.Ala2776Thr (NM_015548.5); short protein forms A3102T, A3142T, A5399T, A2776T, A5188T, A5408T, A3280T.
Identifiers: ClinVar variation 969802 (VCV000969802.6), dbSNP rs553940584, ClinGen allele CA3867713.